The following is an entry in ClinVar:

ClinVar aggregate classification (germline): Pathogenic (1 of 4 stars; one submission).

Conditions:
Hyperinsulinemic hypoglycemia, familial, 1 (HHF1). Also called: HYPERINSULINISM, FAMILIAL, WITH PANCREATIC NESIDIOBLASTOSIS; HYPOGLYCEMIA, HYPERINSULINEMIC, OF INFANCY; NESIDIOBLASTOSIS OF PANCREAS; Persistent Hyperinsulinemia Hypoglycemia of Infancy; Persistent hyperinsulinemic hypoglycemia of infancy. Identifiers: Orphanet 276575, Orphanet 276598, MedGen C2931832, MONDO:0009734, OMIM 256450.

Submission:

Myriad Genetics, Inc.
Classification: Pathogenic for Hyperinsulinemic hypoglycemia, familial, 1. Last evaluated: 2023-09-27. Review status: criteria provided, single submitter. Criteria: Myriad Autosomal Dominant, Autosomal Recessive and X-Linked Classification Criteria (2023). Collection method: clinical testing. Allele origin: unknown.
Comment: NM_000352.3(ABCC8):c.3790dupG(V1264Gfs*142) is expected to be pathogenic in the context of familial hyperinsulinism, ABCC8-related. This variant is predicted to lead to an abnormal or absent protein product due to the creation of a premature termination codon in ABCC8, a gene where loss-of-function variants are known to be pathogenic. Please note: this variant was assessed in the context of healthy population screening.

NM_000352.6(ABCC8):c.3790dup (p.Val1264fs)

Gene: ABCC8 (ATP binding cassette subfamily C member 8; minus strand). Cytogenetic location: 11p15.1.
Variant type: Duplication.
Coding change: c.3790dup on transcript NM_000352.6 (MANE Select); coding-DNA position 3790, one base duplicated (G; older notation c.3790dupG).
Protein change: p.Val1264fs; shifts the reading frame from valine 1264.
Molecular consequence: frameshift variant. On other transcripts: non-coding transcript variant (1).
Genome position (GRCh38, 1-based): chr11:17,397,761, C duplicated on the plus strand (G on the coding strand, the reverse complement: ABCC8 is on the minus strand); the first of 2 consecutive C bases (chr11:17,397,761-17,397,762); duplicating either gives the same sequence. VCF-style (leftmost placement, unchanged base first): chr11-17397760-A-AC. GRCh37 (hg19) VCF-style: chr11-17419307-A-AC.
Other names: c.3793dup, p.Val1265fs (NM_001287174.3); c.3856dup, p.Val1286fs (NM_001351295.2); c.3790dup, p.Val1264fs (NM_001351296.2); c.3787dup, p.Val1263fs (NM_001351297.2); short protein forms V1263fs, V1264fs, V1265fs, V1286fs.
Identifiers: ClinVar variation 5011811 (VCV005011811.1).